The following is an entry in ClinVar:

NM_001360.3(DHCR7):c.838T>G (p.Tyr280Asp)

Gene: DHCR7 (7-dehydrocholesterol reductase; minus strand). Cytogenetic location: 11q13.4.
Variant type: single nucleotide variant.
Coding change: c.838T>G on transcript NM_001360.3 (MANE Select); coding-DNA position 838, T replaced by G.
Protein change: p.Tyr280Asp; replaces tyrosine 280 with aspartic acid.
Molecular consequence: missense variant.
Genome position (GRCh38, 1-based): chr11:71,437,937, A>C on the plus strand (T>G on the coding strand, the complement: DHCR7 is on the minus strand). VCF-style: chr11-71437937-A-C. GRCh37 (hg19) VCF-style: chr11-71148983-A-C.
Other names: c.838T>G, p.Tyr280Asp (NM_001163817.2, NM_001425109.1, NM_001425110.1 and 6 more transcripts); c.889T>G, p.Tyr297Asp (NM_001425107.1); c.874T>G, p.Tyr292Asp (NM_001425108.1); c.778T>G, p.Tyr260Asp (NM_001425113.1); c.742T>G, p.Tyr248Asp (NM_001425114.1, NM_001425116.1); c.664T>G, p.Tyr222Asp (NM_001425117.1); short protein forms Y222D, Y280D, Y248D, Y260D, Y292D, Y297D.
Identifiers: ClinVar variation 2854167 (VCV002854167.3), dbSNP rs2539217163, ClinGen allele CA381703160.

ClinVar aggregate classification (germline): Likely pathogenic (1 of 4 stars; one submission).

Conditions:
Smith-Lemli-Opitz syndrome (SLOS). Also called: LETHAL ACRODYSGENITAL SYNDROME; POLYDACTYLY, SEX REVERSAL, RENAL HYPOPLASIA, AND UNILOBAR LUNG; RSH SYNDROME; RUTLEDGE LETHAL MULTIPLE CONGENITAL ANOMALY SYNDROME; 7-Dehydrocholesterol reductase deficiency. Identifiers: Orphanet 818, MedGen C0175694, MONDO:0010035, OMIM 270400.

Submission:

Labcorp Genetics (formerly Invitae), Labcorp
Classification: Likely pathogenic for Smith-Lemli-Opitz syndrome. Last evaluated: 2023-04-09. Review status: criteria provided, single submitter. Criteria: Invitae Variant Classification Sherloc (09022015). Collection method: clinical testing. Allele origin: germline.
Comment: In summary, the currently available evidence indicates that the variant is pathogenic, but additional data are needed to prove that conclusively. Therefore, this variant has been classified as Likely Pathogenic. This variant disrupts the p.Tyr280 amino acid residue in DHCR7. Other variant(s) that disrupt this residue have been determined to be pathogenic (PMID: 11857552). This suggests that this residue is clinically significant, and that variants that disrupt this residue are likely to be disease-causing. Advanced modeling of protein sequence and biophysical properties (such as structural, functional, and spatial information, amino acid conservation, physicochemical variation, residue mobility, and thermodynamic stability) performed at Invitae indicates that this missense variant is expected to disrupt DHCR7 protein function. This variant has not been reported in the literature in individuals affected with DHCR7-related conditions. This variant is not present in population databases (gnomAD no frequency). This sequence change replaces tyrosine, which is neutral and polar, with aspartic acid, which is acidic and polar, at codon 280 of the DHCR7 protein (p.Tyr280Asp).

Literature cited by the submitters: PubMed 11857552.